The following is an entry in ClinVar:

NM_012079.6(DGAT1):c.1337G>A (p.Arg446His)

Gene: DGAT1 (diacylglycerol O-acyltransferase 1; minus strand). Cytogenetic location: 8q24.3.
Variant type: single nucleotide variant.
Coding change: c.1337G>A on transcript NM_012079.6 (MANE Select); coding-DNA position 1337, G replaced by A.
Protein change: p.Arg446His; replaces arginine 446 with histidine.
Molecular consequence: missense variant.
Genome position (GRCh38, 1-based): chr8:144,316,684, C>T on the plus strand (G>A on the coding strand, the complement: DGAT1 is on the minus strand). VCF-style: chr8-144316684-C-T. GRCh37 (hg19) VCF-style: chr8-145540347-C-T.
Other names: short protein forms R446H.
Identifiers: ClinVar variation 2077745 (VCV002077745.1), dbSNP rs782420067, ClinGen allele CA4936539.

ClinVar aggregate classification (germline): Uncertain significance (1 of 4 stars; one submission).

Submission:

Labcorp Genetics (formerly Invitae), Labcorp
Classification: Uncertain significance. Last evaluated: 2022-08-19. Review status: criteria provided, single submitter. Criteria: Invitae Variant Classification Sherloc (09022015). Collection method: clinical testing. Allele origin: germline.
Comment: This sequence change replaces arginine, which is basic and polar, with histidine, which is basic and polar, at codon 446 of the DGAT1 protein (p.Arg446His). This variant is present in population databases (rs782420067, gnomAD 0.01%). This variant has not been reported in the literature in individuals affected with DGAT1-related conditions. Algorithms developed to predict the effect of missense changes on protein structure and function (SIFT, PolyPhen-2, Align-GVGD) all suggest that this variant is likely to be tolerated. In summary, the available evidence is currently insufficient to determine the role of this variant in disease. Therefore, it has been classified as a Variant of Uncertain Significance.